The following is an entry in ClinVar:

NM_006767.4(LZTR1):c.2428C>G (p.Arg810Gly)

Gene: LZTR1 (leucine zipper like post translational regulator 1; plus strand). Cytogenetic location: 22q11.21.
Variant type: single nucleotide variant.
Coding change: c.2428C>G on transcript NM_006767.4 (MANE Select); coding-DNA position 2428, C replaced by G.
Protein change: p.Arg810Gly; replaces arginine 810 with glycine.
Molecular consequence: missense variant.
Genome position (GRCh38, 1-based): chr22:20,997,253, C>G. VCF-style: chr22-20997253-C-G. GRCh37 (hg19) VCF-style: chr22-21351542-C-G.
Other names: short protein forms R810G.
Identifiers: ClinVar variation 4056104 (VCV004056104.2).

ClinVar aggregate classification (germline): Uncertain significance (1 of 4 stars; one submission).

Conditions:
Noonan syndrome 10 (NS10). Identifiers: Orphanet 648, MedGen C4225280, MONDO:0014693, OMIM 616564.

Submission:

St. Jude Molecular Pathology, St. Jude Children's Research Hospital
Classification: Uncertain significance for Noonan syndrome 10. Last evaluated: 2025-06-17. Review status: criteria provided, single submitter. Criteria: St. Jude Assertion Criteria 2020. Collection method: clinical testing. Allele origin: germline.
Comment: The LZTR1 c.2428C>G p.(Arg810Gly) missense change is absent in gnomAD v2.1.1. The in silico tool REVEL is inconclusive about a pathogenic or benign effect of this variant on protein function, and to our knowledge functional studies have not been performed. To our knowledge, this variant has not been reported in individuals with Noonan syndrome or schwannomatosis. In summary, the evidence currently available is insufficient to determine the clinical significance of this variant. It has therefore been classified as of uncertain significance.